The following is an entry in ClinVar:

NM_014874.4(MFN2):c.57A>T (p.Arg19Ser)

Gene: MFN2 (mitofusin 2; plus strand). Cytogenetic location: 1p36.22.
Variant type: single nucleotide variant.
Coding change: c.57A>T on transcript NM_014874.4 (MANE Select); coding-DNA position 57, A replaced by T.
Protein change: p.Arg19Ser; replaces arginine 19 with serine.
Molecular consequence: missense variant.
Genome position (GRCh38, 1-based): chr1:11,989,225, A>T. VCF-style: chr1-11989225-A-T. GRCh37 (hg19) VCF-style: chr1-12049282-A-T.
Other names: c.57A>T, p.Arg19Ser (NM_001127660.2); short protein forms R19S.
Identifiers: ClinVar variation 2968148 (VCV002968148.3), dbSNP rs2522961692, ClinGen allele CA338459393.
Genomic context (GRCh38, chr1:11,989,225, plus strand): 5'-CGCAATGTCCCTGCTCTTCTCTCGATGCAACTCTATCGTCACAGTCAAGAAAAATAAGAG[A>T]CACATGGCTGAGGTGAATGCATCCCCACTTAAGCACTTTGTCACTGCCAAGAAGAAGATC-3'
Protein context (NP_055689.1, residues 9-29): NSIVTVKKNK[Arg19Ser]HMAEVNASPL

ClinVar aggregate classification (germline): Uncertain significance (1 of 4 stars; one submission).

Conditions:
Charcot-Marie-Tooth disease type 2. Also called: Charcot-Marie-Tooth type 2. Identifiers: Orphanet 64746, MedGen C0270914, MONDO:0018993.

Submission:

Labcorp Genetics (formerly Invitae), Labcorp
Classification: Uncertain significance for Charcot-Marie-Tooth disease type 2. Last evaluated: 2023-10-22. Review status: criteria provided, single submitter. Criteria: Invitae Variant Classification Sherloc (09022015). Collection method: clinical testing. Allele origin: germline.
Comment: This sequence change replaces arginine, which is basic and polar, with serine, which is neutral and polar, at codon 19 of the MFN2 protein (p.Arg19Ser). This variant is not present in population databases (gnomAD no frequency). This variant has not been reported in the literature in individuals affected with MFN2-related conditions. Advanced modeling of protein sequence and biophysical properties (such as structural, functional, and spatial information, amino acid conservation, physicochemical variation, residue mobility, and thermodynamic stability) performed at Invitae indicates that this missense variant is expected to disrupt MFN2 protein function. In summary, the available evidence is currently insufficient to determine the role of this variant in disease. Therefore, it has been classified as a Variant of Uncertain Significance.